The following is an entry in ClinVar:

ClinVar aggregate classification (germline): Pathogenic/Likely pathogenic. Review status: criteria provided, multiple submitters, no conflicts (2 of 4 stars). 5 submissions from 5 submitters: Pathogenic (2); Likely pathogenic (2). 1 of the submissions does not count toward it. Last evaluated 2025-11-18.

Conditions:
Werner syndrome (WRN). Identifiers: Orphanet 902, MedGen C0043119, MONDO:0010196, OMIM 277700.

Submissions (5):

Department of Clinical Genetics, Copenhagen University Hospital, Rigshospitalet
Classification: Likely pathogenic for Werner syndrome. Last evaluated: 2025-11-18. Review status: criteria provided, single submitter. Criteria: ACMG Guidelines, 2015. Collection method: clinical testing. Allele origin: germline. Affected: yes.
Comment: The following ACMG criteria has been used: PVS1; PM3_SUP

Labcorp Genetics (formerly Invitae), Labcorp
Classification: Pathogenic for Werner syndrome. Last evaluated: 2023-12-09. Review status: criteria provided, single submitter. Criteria: Invitae Variant Classification Sherloc (09022015). Collection method: clinical testing. Allele origin: germline.
Comment: This sequence change creates a premature translational stop signal (p.Asn1197Thrfs*2) in the WRN gene. It is expected to result in an absent or disrupted protein product. Loss-of-function variants in WRN are known to be pathogenic (PMID: 16673358). This variant is not present in population databases (gnomAD no frequency). This premature translational stop signal has been observed in individual(s) with Werner syndrome (PMID: 16673358, 20443122). This variant is also known as 3587delA. ClinVar contains an entry for this variant (Variation ID: 38890). For these reasons, this variant has been classified as Pathogenic.

Baylor Genetics
Classification: Pathogenic for Werner syndrome. Last evaluated: 2023-07-31. Review status: criteria provided, single submitter. Criteria: ACMG Guidelines, 2015. Collection method: clinical testing. Allele origin: unknown.

Fulgent Genetics
Classification: Likely pathogenic for Werner syndrome. Last evaluated: 2022-01-13. Review status: criteria provided, single submitter. Criteria: ACMG Guidelines, 2015. Collection method: clinical testing. Allele origin: unknown.

GeneReviews
No classification provided. Condition: Werner syndrome. Review status: no classification provided. Collection method: literature only. Allele origin: germline. Not counted in ClinVar's aggregate classification.
Comment: Potential founder variant in the Dutch population.

Literature cited by the submitters: PubMed 16673358 (cited by Department of Clinical Genetics, Copenhagen University Hospital, Rigshospitalet and Labcorp Genetics (formerly Invitae), Labcorp); PubMed 20443122 (cited by Department of Clinical Genetics, Copenhagen University Hospital, Rigshospitalet and Labcorp Genetics (formerly Invitae), Labcorp); PubMed 27667302 (cited by GeneReviews); PubMed 20301687 (cited by GeneReviews).

NM_000553.6(WRN):c.3590del (p.Asn1197fs)

Gene: WRN (WRN RecQ like helicase; plus strand). Cytogenetic location: 8p12.
Variant type: Deletion.
Coding change: c.3590del on transcript NM_000553.6 (MANE Select); coding-DNA position 3590, one base deleted (A; older notation c.3590delA).
Protein change: p.Asn1197fs; shifts the reading frame from asparagine 1197.
Molecular consequence: frameshift variant.
Genome position (GRCh38, 1-based): chr8:31,150,358, A deleted; the last of 4 consecutive A bases (chr8:31,150,355-31,150,358); deleting any one gives the same sequence. VCF-style (leftmost placement, unchanged base first): chr8-31150354-GA-G. GRCh37 (hg19) VCF-style: chr8-31007870-GA-G.
Other names: c.3590delA (NM_000553.6); short protein forms N1197fs.
Identifiers: ClinVar variation 38890 (VCV000038890.9), dbSNP rs281865160, ClinGen allele CA343151.